The following is an entry in ClinVar:

NM_001363711.2(DUOX2):c.4469T>A (p.Phe1490Tyr)

Gene: DUOX2 (dual oxidase 2; minus strand). Cytogenetic location: 15q21.1.
Variant type: single nucleotide variant.
Coding change: c.4469T>A on transcript NM_001363711.2 (MANE Select); coding-DNA position 4469, T replaced by A.
Protein change: p.Phe1490Tyr; replaces phenylalanine 1490 with tyrosine.
Molecular consequence: missense variant.
Genome position (GRCh38, 1-based): chr15:45,094,618, A>T on the plus strand (T>A on the coding strand, the complement: DUOX2 is on the minus strand). VCF-style: chr15-45094618-A-T. GRCh37 (hg19) VCF-style: chr15-45386816-A-T.
Other names: c.4469T>A, p.Phe1490Tyr (NM_014080.5); short protein forms F1490Y.
Identifiers: ClinVar variation 3339458 (VCV003339458.1).

ClinVar aggregate classification (germline): Uncertain significance (1 of 4 stars; one submission).

Submission:

Women's Health and Genetics/Laboratory Corporation of America, LabCorp
Classification: Uncertain significance. Last evaluated: 2024-07-18. Review status: criteria provided, single submitter. Criteria: LabCorp Variant Classification Summary - May 2015. Collection method: clinical testing. Allele origin: germline.
Comment: Variant summary: DUOX2 c.4469T>A (p.Phe1490Tyr) results in a conservative amino acid change located in the Ferric reductase, NAD binding domain (IPR013121) of the encoded protein sequence. Three of five in-silico tools predict a damaging effect of the variant on protein function. The variant was absent in 250974 control chromosomes (gnomAD). c.4469T>A has been reported in the literature in an individual affected with Thyroid Dyshormonogenesis 6. This report does not provide unequivocal conclusions about association of the variant with Inflammatory bowel disease (Kyodo_2022). At least one publication reports experimental evidence evaluating an impact on protein function, finding that the variant results in reduced plasma membrane expression and reduced H2O2 production. The following publication has been ascertained in the context of this evaluation (PMID: 35429653). No submitters have cited clinical-significance assessments for this variant to ClinVar. Based on the evidence outlined above, the variant was classified as VUS-possibly pathogenic.

Literature cited by the submitters: PubMed 35429653.